The following is an entry in ClinVar:

ClinVar aggregate classification (germline): Uncertain significance. Review status: criteria provided, multiple submitters, no conflicts (2 of 4 stars). 2 submissions from 2 submitters: Uncertain significance (2). Last evaluated 2025-07-03.

Conditions:
Autosomal recessive ataxia, Beauce type. Also called: Spinocerebellar ataxia, autosomal recessive 8; ATAXIA, RECESSIVE, OF BEAUCE; SYNE1-Related Autosomal Recessive Cerebellar Ataxia; SYNE1 Deficiency. Identifiers: Orphanet 88644, MedGen C1853116, MONDO:0012549, OMIM 610743.
Emery-Dreifuss muscular dystrophy 4, autosomal dominant (EDMD4). Also called: EMERY-DREIFUSS MUSCULAR DYSTROPHY 4 WITH VARIABLE FEATURES. Identifiers: Orphanet 261, MedGen C2751807, MONDO:0013071, OMIM 612998.
SYNE1-related disorder. Also called: SYNE1-related disease; SYNE1-related condition; SYNE1-related disorders.

Allele frequency attached by ClinVar (database versions not stated): gnomAD exomes below 0.00001 and 0.00002; gnomAD 0.00001; TOPMed 0.00002.
gnomAD v4.1: 25 of 1,614,102 alleles (0.0015%); highest among the groups gnomAD compares: Non-Finnish European, 0.0021%; no homozygotes.

Submissions (2):

PreventionGenetics, part of Exact Sciences
Classification: Uncertain significance for SYNE1-related condition. Last evaluated: 2025-07-03. Review status: criteria provided, single submitter. Criteria: ACMG Guidelines, 2015. Collection method: clinical testing. Allele origin: germline.
Comment: The SYNE1 c.5732T>G variant is predicted to result in the amino acid substitution p.Leu1911Trp. To our knowledge, this variant has not been reported in the literature. This variant is reported in 0.0016% of alleles in individuals of European (Non-Finnish) descent in gnomAD. At this time, the clinical significance of this variant is uncertain due to the absence of conclusive functional and genetic evidence.

Labcorp Genetics (formerly Invitae), Labcorp
Classification: Uncertain significance for Emery-Dreifuss muscular dystrophy 4, autosomal dominant; Autosomal recessive ataxia, Beauce type. Last evaluated: 2024-10-26. Review status: criteria provided, single submitter. Criteria: Invitae Variant Classification Sherloc (09022015). Collection method: clinical testing. Allele origin: germline.
Comment: This sequence change replaces leucine, which is neutral and non-polar, with tryptophan, which is neutral and slightly polar, at codon 1911 of the SYNE1 protein (p.Leu1911Trp). This variant is present in population databases (no rsID available, gnomAD 0.002%). This variant has not been reported in the literature in individuals affected with SYNE1-related conditions. ClinVar contains an entry for this variant (Variation ID: 1461549). An algorithm developed to predict the effect of missense changes on protein structure and function (PolyPhen-2) suggests that this variant is likely to be disruptive. In summary, the available evidence is currently insufficient to determine the role of this variant in disease. Therefore, it has been classified as a Variant of Uncertain Significance.

NM_182961.4(SYNE1):c.5711T>G (p.Leu1904Trp)

Gene: SYNE1 (spectrin repeat containing nuclear envelope protein 1; minus strand). Cytogenetic location: 6q25.2.
Variant type: single nucleotide variant.
Coding change: c.5711T>G on transcript NM_182961.4 (MANE Select); coding-DNA position 5711, T replaced by G.
Protein change: p.Leu1904Trp; replaces leucine 1904 with tryptophan.
Molecular consequence: missense variant.
Genome position (GRCh38, 1-based): chr6:152,416,726, A>C on the plus strand (T>G on the coding strand, the complement: SYNE1 is on the minus strand). VCF-style: chr6-152416726-A-C. GRCh37 (hg19) VCF-style: chr6-152737861-A-C.
Other names: c.5732T>G, p.Leu1911Trp (NM_033071.5); c.5732T>G (NM_033071.3); short protein forms L1904W, L1911W.
Identifiers: ClinVar variation 1461549 (VCV001461549.9), dbSNP rs1179461369, ClinGen allele CA366132998.